The following is an entry in ClinVar:

NM_002972.4(SBF1):c.14C>T (p.Ala5Val)

Gene: SBF1 (SET binding factor 1; minus strand). Cytogenetic location: 22q13.33.
Variant type: single nucleotide variant.
Coding change: c.14C>T on transcript NM_002972.4 (MANE Select); coding-DNA position 14, C replaced by T.
Protein change: p.Ala5Val; replaces alanine 5 with valine.
Molecular consequence: missense variant.
Genome position (GRCh38, 1-based): chr22:50,474,827, G>A on the plus strand (C>T on the coding strand, the complement: SBF1 is on the minus strand). VCF-style: chr22-50474827-G-A. GRCh37 (hg19) VCF-style: chr22-50913256-G-A.
Other names: c.14C>T, p.Ala5Val (NM_001365819.1, NM_001410794.1, NM_001410795.1 and 1 more transcripts); short protein forms A5V.
Identifiers: ClinVar variation 1806707 (VCV001806707.1), dbSNP rs2522138765, ClinGen allele CA412225363.

ClinVar aggregate classification (germline): Uncertain significance (1 of 4 stars; one submission).

Allele frequency attached by ClinVar (database versions not stated): gnomAD exomes below 0.00001.

Submission:

GeneDx
Classification: Uncertain significance. Last evaluated: 2022-06-21. Review status: criteria provided, single submitter. Criteria: GeneDx Variant Classification Process June 2021. Collection method: clinical testing. Allele origin: germline. Affected: yes.
Comment: Not observed at significant frequency in large population cohorts (gnomAD); In silico analysis supports that this missense variant does not alter protein structure/function; Has not been previously published as pathogenic or benign to our knowledge